The following is an entry in ClinVar:

NM_006214.4(PHYH):c.601C>G (p.Arg201Gly)

Gene: PHYH (phytanoyl-CoA 2-hydroxylase; minus strand). Cytogenetic location: 10p13.
Variant type: single nucleotide variant.
Coding change: c.601C>G on transcript NM_006214.4 (MANE Select); coding-DNA position 601, C replaced by G.
Protein change: p.Arg201Gly; replaces arginine 201 with glycine.
Molecular consequence: missense variant. On other transcripts: intron variant (1).
Genome position (GRCh38, 1-based): chr10:13,288,437, G>C on the plus strand (C>G on the coding strand, the complement: PHYH is on the minus strand). VCF-style: chr10-13288437-G-C. GRCh37 (hg19) VCF-style: chr10-13330437-G-C.
Other names: c.301C>G, p.Arg101Gly (NM_001037537.2, NM_001323080.2); c.607C>G, p.Arg203Gly (NM_001323082.2); c.307C>G, p.Arg103Gly (NM_001323084.2); c.415-4598C>G (NM_001323083.2); short protein forms R201G, R101G, R103G, R203G.
Identifiers: ClinVar variation 299251 (VCV000299251.69), dbSNP rs143957922, ClinGen allele CA5412303.
Genomic context (GRCh38, chr10:13,288,437, plus strand): 5'-CGTGGGGCTTCAGGGAGCCCTTGTGTGTGCCTGGGAGCACAACCAGACAGCCGTTGTTCC[G>C]GCTGATGTGCTCCATCGCCGTCCAGGCGCAAACGATGAGATCGCTGGGCCTGAAGGGGAA-3'
Protein context (NP_006205.1, residues 191-211): CAWTAMEHIS[Arg201Gly]NNGCLVVLPG

ClinVar aggregate classification (germline): Conflicting classifications of pathogenicity. Review status: criteria provided, conflicting classifications (1 of 4 stars). 9 submissions from 9 submitters: Uncertain significance (4); Benign (1); Likely benign (3). 1 of the submissions does not count toward it. Last evaluated 2026-01-21.

Conditions:
PHYH-related disorder. Also called: PHYH-related condition.
Refsum disease, classic. Also called: PHYH-Related Refsum Disease; HEREDOPATHIA ATACTICA POLYNEURITIFORMIS; HMSN IV; PHYTANIC ACID OXIDASE DEFICIENCY. Identifiers: Orphanet 773, MedGen C5780941, MONDO:1060256, OMIM 266500. Disease mechanism: loss of function.

Allele frequency attached by ClinVar (database versions not stated): 1000 Genomes Project 30x 0.00016; 1000 Genomes Project 0.00020; TOPMed 0.00096; ESP Exome Variant Server 0.00123; gnomAD 0.00124.
gnomAD v4.1: 2,889 of 1,614,174 alleles (0.18%); highest among the groups gnomAD compares: Non-Finnish European, 0.22%; 4 homozygotes.

Submissions (9):

Labcorp Genetics (formerly Invitae), Labcorp
Classification: Likely benign. Last evaluated: 2026-01-21. Review status: criteria provided, single submitter. Criteria: Invitae Variant Classification Sherloc (09022015). Collection method: clinical testing. Allele origin: germline.

Blueprint Genetics
Classification: Likely benign. Last evaluated: 2024-11-20. Review status: criteria provided, single submitter. Criteria: ACMG Guidelines, 2015. Collection method: clinical testing. Allele origin: germline.

GeneDx
Classification: Uncertain significance. Last evaluated: 2024-10-30. Review status: criteria provided, single submitter. Criteria: GeneDx Variant Classification Process June 2021. Collection method: clinical testing. Allele origin: germline. Affected: yes.
Comment: Identified as a heterozygous variant in a patient with hypertriglyceridemia in the literature; however, detailed clinical information was not provided and a second PHYH variant was not reported (PMID: 35460704); In silico analysis supports that this missense variant has a deleterious effect on protein structure/function; This variant is associated with the following publications: (PMID: 35460704)

PreventionGenetics, part of Exact Sciences
Classification: Likely benign for PHYH-related condition. Last evaluated: 2024-10-28. Review status: criteria provided, single submitter. Criteria: ACMG Guidelines, 2015. Collection method: clinical testing. Allele origin: germline.
Comment: This variant is classified as likely benign based on ACMG/AMP sequence variant interpretation guidelines (Richards et al. 2015 PMID: 25741868, with internal and published modifications).

Mayo Clinic Laboratories, Mayo Clinic
Classification: Benign. Last evaluated: 2024-05-08. Review status: criteria provided, single submitter. Criteria: ACMG Guidelines, 2015. Collection method: clinical testing. Allele origin: germline. Observed: 6 variant alleles.
Comment: BS1, BS2

Illumina Laboratory Services, Illumina
Classification: Uncertain significance for Refsum disease, classic. Last evaluated: 2018-01-13. Review status: criteria provided, single submitter. Criteria: ICSL Variant Classification Criteria 13 December 2019. Collection method: clinical testing. Allele origin: germline.

CeGaT Center for Human Genetics Tuebingen
Classification: Uncertain significance. Last evaluated: 2017-01-01. Review status: criteria provided, single submitter. Criteria: CeGaT Center For Human Genetics Tuebingen Variant Classification Criteria Version 2. Collection method: clinical testing. Allele origin: germline. Affected: yes. Observed: 1 variant allele.

Clinical Genetics DNA and cytogenetics Diagnostics Lab, Erasmus MC, Erasmus Medical Center
Classification: Uncertain significance for Refsum disease, classic. Last evaluated: 2016-02-12. Review status: criteria provided, single submitter. Criteria: ACGS Guidelines, 2013. Collection method: clinical testing. Allele origin: germline. Affected: yes. Study: VKGL Data-share Consensus.

Clinical Genetics, Academic Medical Center
Classification: Uncertain significance. Review status: no assertion criteria provided. Collection method: clinical testing. Allele origin: germline. Affected: yes. Study: VKGL Data-share Consensus. Not counted in ClinVar's aggregate classification.

Literature cited by the submitters: PubMed 35460704 (cited by Mayo Clinic Laboratories, Mayo Clinic).